The following is an entry in ClinVar:

ClinVar aggregate classification (germline): Uncertain significance (1 of 4 stars; one submission).

Conditions:
Oligodontia-cancer predisposition syndrome. Also called: TOOTH AGENESIS-COLORECTAL CANCER SYNDROME. Identifiers: Orphanet 300576, MedGen C1837750, MONDO:0012075, OMIM 608615. Disease mechanism: loss of function.

Submission:

Labcorp Genetics (formerly Invitae), Labcorp
Classification: Uncertain significance for Oligodontia-cancer predisposition syndrome. Last evaluated: 2024-04-18. Review status: criteria provided, single submitter. Criteria: Invitae Variant Classification Sherloc (09022015). Collection method: clinical testing. Allele origin: germline.
Comment: This sequence change replaces leucine, which is neutral and non-polar, with serine, which is neutral and polar, at codon 85 of the AXIN2 protein (p.Leu85Ser). This variant is not present in population databases (gnomAD no frequency). This variant has not been reported in the literature in individuals affected with AXIN2-related conditions. ClinVar contains an entry for this variant (Variation ID: 408797). Advanced modeling of protein sequence and biophysical properties (such as structural, functional, and spatial information, amino acid conservation, physicochemical variation, residue mobility, and thermodynamic stability) performed at Invitae indicates that this missense variant is expected to disrupt AXIN2 protein function with a positive predictive value of 80%. In summary, the available evidence is currently insufficient to determine the role of this variant in disease. Therefore, it has been classified as a Variant of Uncertain Significance.

NM_004655.4(AXIN2):c.254T>C (p.Leu85Ser)

Gene: AXIN2 (axin 2; minus strand). Cytogenetic location: 17q24.1.
Variant type: single nucleotide variant.
Coding change: c.254T>C on transcript NM_004655.4 (MANE Select); coding-DNA position 254, T replaced by C.
Protein change: p.Leu85Ser; replaces leucine 85 with serine.
Molecular consequence: missense variant.
Genome position (GRCh38, 1-based): chr17:65,558,367, A>G on the plus strand (T>C on the coding strand, the complement: AXIN2 is on the minus strand). VCF-style: chr17-65558367-A-G. GRCh37 (hg19) VCF-style: chr17-63554485-A-G.
Other names: c.254T>C, p.Leu85Ser (NM_001363813.1); c.254T>C (LRG_296t1); short protein forms L85S.
Identifiers: ClinVar variation 408797 (VCV000408797.8), dbSNP rs1060502137, ClinGen allele CA16615640.